The following is an entry in ClinVar:

NM_020975.6(RET):c.2252G>A (p.Gly751Glu)

Gene: RET (ret proto-oncogene; plus strand). Cytogenetic location: 10q11.21.
Variant type: single nucleotide variant.
Coding change: c.2252G>A on transcript NM_020975.6 (MANE Select); coding-DNA position 2252, G replaced by A.
Protein change: p.Gly751Glu; replaces glycine 751 with glutamic acid.
Molecular consequence: missense variant.
Genome position (GRCh38, 1-based): chr10:43,116,699, G>A. VCF-style: chr10-43116699-G-A. GRCh37 (hg19) VCF-style: chr10-43612147-G-A.
Other names: c.2252G>A, p.Gly751Glu (NM_000323.2, NM_001406743.1, NM_001406744.1 and 4 more transcripts); c.1490G>A, p.Gly497Glu (NM_001355216.2); c.2123G>A, p.Gly708Glu (NM_001406761.1, NM_001406762.1, NM_001406764.1); c.2117G>A, p.Gly706Glu (NM_001406763.1, NM_001406765.1); c.1964G>A, p.Gly655Glu (NM_001406766.1, NM_001406767.1, NM_001406770.1); c.1988G>A, p.Gly663Glu (NM_001406768.1); c.1856G>A, p.Gly619Glu (NM_001406769.1, NM_001406772.1); c.1814G>A, p.Gly605Glu (NM_001406771.1, NM_001406773.1); and 10 more; short protein forms G268E, G409E, G619E, G751E, G509E, G655E, G706E, G708E.
Identifiers: ClinVar variation 1788459 (VCV001788459.7), dbSNP rs778292678, ClinGen allele CA038035.
Genomic context (GRCh38, chr10:43,116,699, plus strand): 5'-GAGAAGGCGAATTTGGAAAAGTGGTCAAGGCAACGGCCTTCCATCTGAAAGGCAGAGCAG[G>A]GTACACCACGGTGGCCGTGAAGATGCTGAAAGGTACCTGCCAGGCACAGGCACAGTGCCC-3'
Protein context (NP_066124.1, residues 741-761): ATAFHLKGRA[Gly751Glu]YTTVAVKMLK

ClinVar aggregate classification (germline): Uncertain significance. Review status: criteria provided, multiple submitters, no conflicts (2 of 4 stars). 2 submissions from 2 submitters: Uncertain significance (2). Last evaluated 2025-11-26.

Conditions:
Hereditary cancer-predisposing syndrome. Also called: Neoplastic Syndromes, Hereditary; Tumor predisposition; Hereditary Cancer Syndrome; Hereditary neoplastic syndrome. Identifiers: Orphanet 140162, MedGen C0027672, MeSH D009386, MONDO:0015356.
Multiple endocrine neoplasia, type 2 (MEN2). Identifiers: Orphanet 653, MedGen C4048306, MONDO:0019003. Disease mechanism: gain of function.

Allele frequency attached by ClinVar (database versions not stated): gnomAD exomes below 0.00001; ExAC 0.00001; gnomAD 0.00001; TOPMed 0.00001.
gnomAD v4.1: 6 of 1,613,816 alleles (0.00037%); highest among the groups gnomAD compares: South Asian, 0.0011%; no homozygotes.

Submissions (2):

Labcorp Genetics (formerly Invitae), Labcorp
Classification: Uncertain significance for Multiple endocrine neoplasia, type 2. Last evaluated: 2025-11-26. Review status: criteria provided, single submitter. Criteria: Invitae Variant Classification Sherloc (09022015). Collection method: clinical testing. Allele origin: germline.
Comment: This sequence change replaces glycine, which is neutral and non-polar, with glutamic acid, which is acidic and polar, at codon 751 of the RET protein (p.Gly751Glu). This variant is present in population databases (rs778292678, gnomAD 0.003%). This variant has not been reported in the literature in individuals affected with RET-related conditions. ClinVar contains an entry for this variant (Variation ID: 1788459). An algorithm developed to predict the effect of missense changes on protein structure and function (PolyPhen-2) suggests that this variant is likely to be disruptive. In summary, the available evidence is currently insufficient to determine the role of this variant in disease. Therefore, it has been classified as a Variant of Uncertain Significance.

Ambry Genetics
Classification: Uncertain significance for Hereditary cancer-predisposing syndrome. Last evaluated: 2025-02-04. Review status: criteria provided, single submitter. Criteria: Ambry Variant Classification Scheme 2023. Collection method: clinical testing. Allele origin: germline.
Comment: The p.G751E variant (also known as c.2252G>A), located in coding exon 12 of the RET gene, results from a G to A substitution at nucleotide position 2252. The glycine at codon 751 is replaced by glutamic acid, an amino acid with similar properties. This amino acid position is conserved. In addition, this alteration is predicted to be deleterious by in silico analysis. Since supporting evidence is limited at this time, the clinical significance of this alteration remains unclear.